The following is an entry in ClinVar:

ClinVar aggregate classification (germline): Uncertain significance (1 of 4 stars; one submission).

Submission:

GeneDx
Classification: Uncertain significance. Last evaluated: 2024-01-03. Review status: criteria provided, single submitter. Criteria: GeneDx Variant Classification Process June 2021. Collection method: clinical testing. Allele origin: germline. Affected: yes.
Comment: Not observed at significant frequency in large population cohorts (gnomAD); In silico analysis supports that this missense variant does not alter protein structure/function; Has not been previously published as pathogenic or benign to our knowledge

NM_001379291.1(BRD4):c.3517G>C (p.Gly1173Arg)

Gene: BRD4 (bromodomain containing 4; minus strand). Cytogenetic location: 19p13.12.
Variant type: single nucleotide variant.
Coding change: c.3517G>C on transcript NM_001379291.1 (MANE Select); coding-DNA position 3517, G replaced by C.
Protein change: p.Gly1173Arg; replaces glycine 1173 with arginine.
Molecular consequence: missense variant.
Genome position (GRCh38, 1-based): chr19:15,239,451, C>G on the plus strand (G>C on the coding strand, the complement: BRD4 is on the minus strand). VCF-style: chr19-15239451-C-G. GRCh37 (hg19) VCF-style: chr19-15350262-C-G.
Other names: c.3517G>C, p.Gly1173Arg (NM_058243.3); short protein forms G1173R.
Identifiers: ClinVar variation 3367385 (VCV003367385.1).